The following is an entry in ClinVar:

NM_170784.3(MKKS):c.1399G>A (p.Glu467Lys)

Gene: MKKS (MKKS centrosomal shuttling protein; minus strand). Cytogenetic location: 20p12.2.
Variant type: single nucleotide variant.
Coding change: c.1399G>A on transcript NM_170784.3 (MANE Select); coding-DNA position 1399, G replaced by A.
Protein change: p.Glu467Lys; replaces glutamic acid 467 with lysine.
Molecular consequence: missense variant. On other transcripts: non-coding transcript variant (1).
Genome position (GRCh38, 1-based): chr20:10,405,561, C>T on the plus strand (G>A on the coding strand, the complement: MKKS is on the minus strand). VCF-style: chr20-10405561-C-T. GRCh37 (hg19) VCF-style: chr20-10386209-C-T.
Other names: c.1399G>A, p.Glu467Lys (NM_018848.3); short protein forms E467K.
Identifiers: ClinVar variation 4997719 (VCV004997719.1).
Genomic context (GRCh38, chr20:10,405,561, plus strand): 5'-CACAGGGAGAATCTGCCTGAACTGACCAAAGGTGTCCATACTTCATGTCAGTGAGAATTT[C>T]ACCTCCATCATGTTCTAAAGAGCCAACAACAGATTCTAGGGCACTGCAAAATGCTTCAGC-3'
Protein context (NP_740754.1, residues 457-477): VVGSLEHDGG[Glu467Lys]ILTDMKYGHL

ClinVar aggregate classification (germline): Uncertain significance (1 of 4 stars; one submission).

Conditions:
MKKS-related disorder. Also called: MKKS-related disorders; MKKS-related condition.

Submission:

PreventionGenetics, part of Exact Sciences
Classification: Uncertain significance for MKKS-related condition. Last evaluated: 2025-01-29. Review status: criteria provided, single submitter. Criteria: ACMG Guidelines, 2015. Collection method: clinical testing. Allele origin: germline.
Comment: The MKKS c.1399G>A variant is predicted to result in the amino acid substitution p.Glu467Lys. To our knowledge, this variant has not been reported in the literature or in a large population database (gnomAD), indicating this variant is rare. At this time, the clinical significance of this variant is uncertain due to the absence of conclusive functional and genetic evidence.